The following is an entry in ClinVar:

ClinVar aggregate classification (germline): Conflicting classifications of pathogenicity. Review status: criteria provided, conflicting classifications (1 of 4 stars). 4 submissions from 4 submitters: Uncertain significance (3); Likely benign (1). Last evaluated 2025-06-17.

Conditions:
Inborn genetic diseases. Identifiers: MedGen C0950123, MeSH D030342.
Amyotrophic lateral sclerosis type 4 (ALS4). Also called: AMYOTROPHIC LATERAL SCLEROSIS 4, JUVENILE; NEURONOPATHY, DISTAL HEREDITARY MOTOR, WITH PYRAMIDAL FEATURES. Identifiers: Orphanet 357043, MedGen C1865409, MONDO:0011223, OMIM 602433.
Spinocerebellar ataxia, autosomal recessive, with axonal neuropathy 2 (SCAN2). Also called: Ataxia with Oculomotor Apraxia; Ataxia-ocular apraxia-2; Ataxia with Oculomotor Apraxia Type 2; ATAXIA-OCULOMOTOR APRAXIA 2. Identifiers: Orphanet 64753, MedGen C1853761, MONDO:0018996, OMIM 606002.

Allele frequency attached by ClinVar (database versions not stated): gnomAD 0.00001; TOPMed 0.00004.
gnomAD v4.1: 21 of 1,613,608 alleles (0.0013%); highest among the groups gnomAD compares: East Asian, 0.011%; no homozygotes.

Submissions (4):

Ambry Genetics
Classification: Uncertain significance for Inborn genetic diseases. Last evaluated: 2025-06-17. Review status: criteria provided, single submitter. Criteria: Ambry Variant Classification Scheme 2023. Collection method: clinical testing. Allele origin: germline.

Labcorp Genetics (formerly Invitae), Labcorp
Classification: Likely benign for Amyotrophic lateral sclerosis type 4; Spinocerebellar ataxia, autosomal recessive, with axonal neuropathy 2. Last evaluated: 2025-04-02. Review status: criteria provided, single submitter. Criteria: Invitae Variant Classification Sherloc (09022015). Collection method: clinical testing. Allele origin: germline.

Athena Diagnostics
Classification: Uncertain significance. Last evaluated: 2023-10-17. Review status: criteria provided, single submitter. Criteria: Athena Diagnostics Criteria. Collection method: clinical testing. Allele origin: unknown.
Comment: Available data are insufficient to determine the clinical significance of the variant at this time. The frequency of this variant in the general population is uninformative in assessment of its pathogenicity. Computational tools disagree on the variant's effect on normal protein function.

Blueprint Genetics
Classification: Uncertain significance. Last evaluated: 2022-11-09. Review status: criteria provided, single submitter. Criteria: ACMG Guidelines, 2015. Collection method: clinical testing. Allele origin: germline.

NM_015046.7(SETX):c.172C>T (p.His58Tyr)

Gene: SETX (senataxin; minus strand). Cytogenetic location: 9q34.13.
Variant type: single nucleotide variant.
Coding change: c.172C>T on transcript NM_015046.7 (MANE Select); coding-DNA position 172, C replaced by T.
Protein change: p.His58Tyr; replaces histidine 58 with tyrosine.
Molecular consequence: missense variant.
Genome position (GRCh38, 1-based): chr9:132,349,257, G>A on the plus strand (C>T on the coding strand, the complement: SETX is on the minus strand). VCF-style: chr9-132349257-G-A. GRCh37 (hg19) VCF-style: chr9-135224644-G-A.
Other names: c.172C>T, p.His58Tyr (NM_001351527.2, NM_001351528.2); short protein forms H58Y.
Identifiers: ClinVar variation 448309 (VCV000448309.16), dbSNP rs757760067, ClinGen allele CA200838114.